The following is an entry in ClinVar:

ClinVar aggregate classification (germline): Conflicting classifications of pathogenicity. Review status: criteria provided, conflicting classifications (1 of 4 stars). 5 submissions from 4 submitters: Uncertain significance (4); Likely benign (1). Last evaluated 2025-10-29.

Conditions:
Adams-Oliver syndrome 5 (AOS5). Identifiers: Orphanet 974, MedGen C4014970, MONDO:0014459, OMIM 616028.
Aortic valve disease 1 (AOVD1). Identifiers: MedGen C3887892, MONDO:0024523, OMIM 109730.
Familial thoracic aortic aneurysm and aortic dissection (TAAD). Also called: Thoracic aortic aneurysms and dissections. Identifiers: Orphanet 91387, MedGen C4707243, MONDO:0019625.

Allele frequency attached by ClinVar (database versions not stated): gnomAD exomes below 0.00001 and 0.00001; TOPMed below 0.00001; gnomAD 0.00001.
gnomAD v4.1: 7 of 1,612,838 alleles (0.00043%); highest among the groups gnomAD compares: Non-Finnish European, 0.00059%; no homozygotes.

Submissions (5):

Ambry Genetics
Classification: Uncertain significance for Familial thoracic aortic aneurysm and aortic dissection. Last evaluated: 2025-10-29. Review status: criteria provided, single submitter. Criteria: Ambry Variant Classification Scheme 2023. Collection method: clinical testing. Allele origin: germline.
Comment: The p.G2299S variant (also known as c.6895G>A), located in coding exon 34 of the NOTCH1 gene, results from a G to A substitution at nucleotide position 6895. The glycine at codon 2299 is replaced by serine, an amino acid with similar properties. This amino acid position is conserved. In addition, the in silico prediction for this alteration is inconclusive. Based on the available evidence, the clinical significance of this variant remains unclear.

Labcorp Genetics (formerly Invitae), Labcorp
Classification: Likely benign for Adams-Oliver syndrome 5. Last evaluated: 2025-07-06. Review status: criteria provided, single submitter. Criteria: Invitae Variant Classification Sherloc (09022015). Collection method: clinical testing. Allele origin: germline.

Genome-Nilou Lab
Classification: Uncertain significance for Adams-Oliver syndrome 5. Last evaluated: 2022-03-15. Review status: criteria provided, single submitter. Criteria: ACMG Guidelines, 2015. Collection method: clinical testing. Allele origin: germline. Affected: no.

Genome-Nilou Lab
Classification: Uncertain significance for Aortic valve disease 1. Last evaluated: 2022-03-15. Review status: criteria provided, single submitter. Criteria: ACMG Guidelines, 2015. Collection method: clinical testing. Allele origin: germline. Affected: no.

GeneDx
Classification: Uncertain significance. Last evaluated: 2017-11-02. Review status: criteria provided, single submitter. Criteria: GeneDx Variant Classification (06012015). Collection method: clinical testing. Allele origin: germline. Affected: yes.
Comment: A variant of uncertain significance has been identified in the NOTCH1 gene. The G2299S variant has not been published as pathogenic or been reported as benign to our knowledge. This variant is not observed at a significant frequency in large population cohorts (Lek et al., 2016). The G2299S variant is a non-conservative amino acid substitution, which is likely to impact secondary protein structure as these residues differ in polarity, charge, size and/or other properties. In addition, this substitution occurs at a position that is conserved across species. Nevertheless, in silico analysis is inconsistent in its predictions as to whether or not the variant is damaging to the protein structure/function. Therefore, based on the currently available information, it is unclear whether this variant is pathogenic or rare benign.

NM_017617.5(NOTCH1):c.6895G>A (p.Gly2299Ser)

Gene: NOTCH1 (notch receptor 1; minus strand). Cytogenetic location: 9q34.3.
Variant type: single nucleotide variant.
Coding change: c.6895G>A on transcript NM_017617.5 (MANE Select); coding-DNA position 6895, G replaced by A.
Protein change: p.Gly2299Ser; replaces glycine 2299 with serine.
Molecular consequence: missense variant.
Genome position (GRCh38, 1-based): chr9:136,496,844, C>T on the plus strand (G>A on the coding strand, the complement: NOTCH1 is on the minus strand). VCF-style: chr9-136496844-C-T. GRCh37 (hg19) VCF-style: chr9-139391296-C-T.
Other names: c.6895G>A, p.Gly2299Ser (LRG_1122t1); short protein forms G2299S.
Identifiers: ClinVar variation 453137 (VCV000453137.11), dbSNP rs1020747496, ClinGen allele CA201633224.